The following is an entry in ClinVar:

NM_018127.7(ELAC2):c.1639C>A (p.Leu547Met)

Gene: ELAC2 (elaC ribonuclease Z 2; minus strand). Cytogenetic location: 17p12.
Variant type: single nucleotide variant.
Coding change: c.1639C>A on transcript NM_018127.7 (MANE Select); coding-DNA position 1639, C replaced by A.
Protein change: p.Leu547Met; replaces leucine 547 with methionine.
Molecular consequence: missense variant.
Genome position (GRCh38, 1-based): chr17:12,996,567, G>T on the plus strand (C>A on the coding strand, the complement: ELAC2 is on the minus strand). VCF-style: chr17-12996567-G-T. GRCh37 (hg19) VCF-style: chr17-12899884-G-T.
Other names: c.1519C>A, p.Leu507Met (NM_001165962.2); c.1636C>A, p.Leu546Met (NM_173717.2); short protein forms L507M, L546M, L547M.
Identifiers: ClinVar variation 1907398 (VCV001907398.6), dbSNP rs2508240506, ClinGen allele CA398223867.
Genomic context (GRCh38, chr17:12,996,567, plus strand): 5'-TCCTCCAGGCTCCAGCTTTGTGGTCCAGCCCAACACTCACCGTGTGGTGATCTGCGTGCA[G>T]GTGGGACACAAACACAGCAGCCAGGGTGCCCAGGACCCTGTCCACCTGGTCTCCGTAATG-3'
Protein context (NP_060597.4, residues 537-557): GTLAAVFVSH[Leu547Met]HADHHTGLPS

ClinVar aggregate classification (germline): Uncertain significance. Review status: criteria provided, multiple submitters, no conflicts (2 of 4 stars). 3 submissions from 3 submitters: Uncertain significance (3). Last evaluated 2025-09-25.

Conditions:
Inborn genetic diseases. Identifiers: MedGen C0950123, MeSH D030342.
Combined oxidative phosphorylation defect type 17. Also called: Combined oxidative phosphorylation deficiency 17. Identifiers: Orphanet 369913, MedGen C3809526, MONDO:0014190, OMIM 615440.

Submissions (3):

Helix
Classification: Uncertain significance for Combined oxidative phosphorylation defect type 17. Last evaluated: 2025-09-25. Review status: criteria provided, single submitter. Criteria: ACMG Guidelines, 2015. Collection method: clinical testing. Allele origin: germline. Inheritance: Autosomal recessive inheritance.
Comment: This variant (NM_018127.7:c.1639C>A p.Leu547Met) results in the substitution of leucine with methionine at codon 547 in the ELAC2 protein. It is a rare variant that is absent from the large gnomAD population database (v4.1). To our knowledge, this variant has not been reported in individuals with ELAC2-related conditions in the published literature. In silico prediction from REVEL (PMID: 27666373) suggests that this variant may be benign. This variant is present in ClinVar (Accession: VCV001907398.5). In conclusion, since the available evidence is limited, the clinical significance of this variant is unclear at this time. Therefore, it is classified as a Variant of Uncertain Significance.

Labcorp Genetics (formerly Invitae), Labcorp
Classification: Uncertain significance for Combined oxidative phosphorylation defect type 17. Last evaluated: 2022-05-16. Review status: criteria provided, single submitter. Criteria: Invitae Variant Classification Sherloc (09022015). Collection method: clinical testing. Allele origin: germline.
Comment: This sequence change replaces leucine, which is neutral and non-polar, with methionine, which is neutral and non-polar, at codon 547 of the ELAC2 protein (p.Leu547Met). This variant is not present in population databases (gnomAD no frequency). This variant has not been reported in the literature in individuals affected with ELAC2-related conditions. Algorithms developed to predict the effect of missense changes on protein structure and function (SIFT, PolyPhen-2, Align-GVGD) all suggest that this variant is likely to be tolerated. In summary, the available evidence is currently insufficient to determine the role of this variant in disease. Therefore, it has been classified as a Variant of Uncertain Significance.

Ambry Genetics
Classification: Uncertain significance for Inborn genetic diseases. Last evaluated: 2022-01-04. Review status: criteria provided, single submitter. Criteria: Ambry Variant Classification Scheme 2023. Collection method: clinical testing. Allele origin: germline.